The following is an entry in ClinVar:

NM_000321.3(RB1):c.2123T>C (p.Met708Thr)

Gene: RB1 (RB transcriptional corepressor 1; plus strand). Cytogenetic location: 13q14.2.
Variant type: single nucleotide variant.
Coding change: c.2123T>C on transcript NM_000321.3 (MANE Select); coding-DNA position 2123, T replaced by C.
Protein change: p.Met708Thr; replaces methionine 708 with threonine.
Molecular consequence: missense variant.
Genome position (GRCh38, 1-based): chr13:48,463,747, T>C. VCF-style: chr13-48463747-T-C. GRCh37 (hg19) VCF-style: chr13-49037883-T-C.
Other names: c.2123T>C (NM_000321.2); short protein forms M708T.
Identifiers: ClinVar variation 1492897 (VCV001492897.8), dbSNP rs2138342287, ClinGen allele CA388167036.

ClinVar aggregate classification (germline): Uncertain significance. Review status: criteria provided, multiple submitters, no conflicts (2 of 4 stars). 2 submissions from 2 submitters: Uncertain significance (2). Last evaluated 2026-07-30.

Conditions:
Hereditary cancer-predisposing syndrome. Also called: Hereditary Cancer Syndrome; Tumor predisposition; Neoplastic Syndromes, Hereditary; Hereditary neoplastic syndrome. Identifiers: Orphanet 140162, MedGen C0027672, MeSH D009386, MONDO:0015356.
Retinoblastoma (RB1). Also called: RETINOBLASTOMA, SOMATIC. Identifiers: Orphanet 790, MedGen C0035335, MeSH D012175, MONDO:0008380, OMIM 180200, HP:0009919. Disease mechanism: loss of function. Inheritance: Both sporadic and heritable forms are tested..

Submissions (2):

Ambry Genetics
Classification: Uncertain significance for Hereditary cancer-predisposing syndrome. Last evaluated: 2026-07-30. Review status: criteria provided, single submitter. Criteria: Ambry Variant Classification Scheme 2023. Collection method: clinical testing. Allele origin: germline.
Comment: The p.M708T variant (also known as c.2123T>C), located in coding exon 21 of the RB1 gene, results from a T to C substitution at nucleotide position 2123. The methionine at codon 708 is replaced by threonine, an amino acid with similar properties. This amino acid position is highly conserved in available vertebrate species. In addition, this alteration is predicted to be deleterious by in silico analysis. Based on the available evidence, the clinical significance of this variant remains unclear.

Labcorp Genetics (formerly Invitae), Labcorp
Classification: Uncertain significance for Retinoblastoma. Last evaluated: 2022-02-18. Review status: criteria provided, single submitter. Criteria: Invitae Variant Classification Sherloc (09022015). Collection method: clinical testing. Allele origin: germline.
Comment: This sequence change replaces methionine, which is neutral and non-polar, with threonine, which is neutral and polar, at codon 708 of the RB1 protein (p.Met708Thr). This variant is not present in population databases (gnomAD no frequency). This variant has not been reported in the literature in individuals affected with RB1-related conditions. Advanced modeling of protein sequence and biophysical properties (such as structural, functional, and spatial information, amino acid conservation, physicochemical variation, residue mobility, and thermodynamic stability) performed at Invitae indicates that this missense variant is expected to disrupt RB1 protein function. In summary, the available evidence is currently insufficient to determine the role of this variant in disease. Therefore, it has been classified as a Variant of Uncertain Significance.